The following is an entry in ClinVar:

NM_001378418.1(TCF20):c.953_961dup (p.Gln320_Gln321insProGlnGln)

Gene: TCF20 (transcription factor 20; minus strand). Cytogenetic location: 22q13.2.
Variant type: Duplication.
Coding change: c.953_961dup on transcript NM_001378418.1 (MANE Select); coding-DNA positions 953 to 961, 9 bases duplicated (CGCAGCAAC; older notation c.953_961dupCGCAGCAAC).
Protein change: p.Gln320_Gln321insProGlnGln.
Molecular consequence: inframe insertion.
Genome position (GRCh38, 1-based): chr22:42,214,345-42,214,353, GTTGCTGCG duplicated on the plus strand (CGCAGCAAC on the coding strand, the reverse complement: TCF20 is on the minus strand); duplicating any 9 consecutive bases within chr22:42,214,345-42,214,361 gives the same sequence; the c. name uses the placement nearest the transcript's 3' end. VCF-style (leftmost placement, unchanged base first): chr22-42214344-T-TGTTGCTGCG. GRCh37 (hg19) VCF-style: chr22-42610350-T-TGTTGCTGCG.
Other names: c.953_961dup, p.Gln320_Gln321insProGlnGln (NM_005650.4, NM_181492.3); c.953_961dup (NM_005650.1).
Identifiers: ClinVar variation 3615748 (VCV003615748.3).

ClinVar aggregate classification (germline): Uncertain significance. Review status: criteria provided, multiple submitters, no conflicts (2 of 4 stars). 2 submissions from 2 submitters: Uncertain significance (2). Last evaluated 2026-02-05.

Submissions (2):

GeneDx
Classification: Uncertain significance. Last evaluated: 2026-02-05. Review status: criteria provided, single submitter. Criteria: GeneDx Variant Classification Process June 2021. Collection method: clinical testing. Allele origin: germline.
Comment: In-frame duplication of 3 amino acid(s) in a repetitive region with no known function; Has not been previously published as pathogenic or benign to our knowledge

Labcorp Genetics (formerly Invitae), Labcorp
Classification: Uncertain significance. Last evaluated: 2024-08-06. Review status: criteria provided, single submitter. Criteria: Invitae Variant Classification Sherloc (09022015). Collection method: clinical testing. Allele origin: germline.
Comment: This variant, c.953_961dup, results in the insertion of 3 amino acid(s) of the TCF20 protein (p.Pro318_Gln320dup), but otherwise preserves the integrity of the reading frame. This variant is present in population databases (rs768316683, gnomAD 0.003%). This variant has not been reported in the literature in individuals affected with TCF20-related conditions. In summary, the available evidence is currently insufficient to determine the role of this variant in disease. Therefore, it has been classified as a Variant of Uncertain Significance.